The following is an entry in ClinVar:

NM_004316.4(ASCL1):c.151CAG[17] (p.Gln62_Ala63insGlnGlnGlnGlnGln)

Genes: ASCL1 (achaete-scute family bHLH transcription factor 1; plus strand), PAH (phenylalanine hydroxylase; minus strand). Cytogenetic location: 12q23.2.
Variant type: Microsatellite.
Coding change: c.151CAG[17] on transcript NM_004316.4 (MANE Select); 17 copies in a row of the 3-base unit CAG starting at c.151; the reference has 12 copies in a row; five copies, 15 bases duplicated.
Protein change: p.Gln62_Ala63insGlnGlnGlnGlnGln.
Molecular consequence: inframe insertion. On other transcripts: 5 prime UTR variant (1).
Genome position (GRCh38, 1-based): chr12:102,958,416-102,958,430, CAGCAGCAGCAGCAG duplicated; duplicating any 15 consecutive bases within chr12:102,958,394-102,958,430 gives the same sequence; the position shown is the placement nearest the transcript's 3' end. VCF-style (leftmost placement, unchanged base first): chr12-102958393-C-CGCAGCAGCAGCAGCA. GRCh37 (hg19) VCF-style: chr12-103352171-C-CGCAGCAGCAGCAGCA.
Other names: p.Gln58_Gln62dup; c.-330TGC[17] (NM_001354304.2); c.172_186dup15 (NM_004316.3).
Identifiers: ClinVar variation 162756 (VCV000162756.9), dbSNP rs3832799, ClinGen allele CA175262.

ClinVar aggregate classification (germline): Uncertain significance. Review status: criteria provided, multiple submitters, no conflicts (2 of 4 stars). 3 submissions from 3 submitters: Uncertain significance (2). 1 of the submissions does not count toward it. Last evaluated 2014-09-25.

Conditions:
ASCL1-related disorder. Also called: ASCL1-related condition.

Submissions (3):

Laboratory for Molecular Medicine, Mass General Brigham Personalized Medicine
Classification: Uncertain significance. Last evaluated: 2014-09-25. Review status: criteria provided, single submitter. Criteria: LMM Criteria. Collection method: clinical testing. Allele origin: germline. Observed: 1 variant allele.
Comment: The Gln51[17] variant in ASCL1 (alternate gene names: MASH1 or HASH1) represents one of several alleles of a poly-glutamine tract of variable length. The Gln51[ 12] allele represents the reference sequence (hg19). In addition, this variant has also been reported in 0.1% (1/ 1604) of Japanese control chromosomes (Ide 2005) and in 0.3% (1/304) of Caucasia n control chromosomes tested by our laboratory. Computational prediction tools a nd conservation analysis are limited or unavailable for this variant. In summary , the clinical significance of the Gln51[17] variant is uncertain.

Breakthrough Genomics
Classification: Uncertain significance. Review status: criteria provided, single submitter. Criteria: ACMG Guidelines, 2015. Collection method: not provided. Allele origin: germline. Inheritance: Unknown mechanism. Affected: yes.

PreventionGenetics, part of Exact Sciences
Classification: Likely benign for ASCL1-related condition. Last evaluated: 2022-02-09. Review status: no assertion criteria provided. Collection method: clinical testing. Allele origin: germline. Not counted in ClinVar's aggregate classification.
Comment: This variant is classified as likely benign based on ACMG/AMP sequence variant interpretation guidelines (Richards et al. 2015 PMID: 25741868, with internal and published modifications).

Literature cited by the submitters: PubMed 16021468 (cited by Laboratory for Molecular Medicine, Mass General Brigham Personalized Medicine); PubMed 20097173 (cited by Laboratory for Molecular Medicine, Mass General Brigham Personalized Medicine).